The following is an entry in ClinVar:

ClinVar aggregate classification (germline): Pathogenic (1 of 4 stars; one submission).

Submission:

Labcorp Genetics (formerly Invitae), Labcorp
Classification: Pathogenic. Last evaluated: 2025-04-17. Review status: criteria provided, single submitter. Criteria: Invitae Variant Classification Sherloc (09022015). Collection method: clinical testing. Allele origin: germline.
Comment: This sequence change creates a premature translational stop signal (p.Leu48Valfs*39) in the HNF1B gene. It is expected to result in an absent or disrupted protein product. Loss-of-function variants in HNF1B are known to be pathogenic (PMID: 9398836, 12148114, 15068978, 20378641). This variant is not present in population databases (gnomAD no frequency). This variant has not been reported in the literature in individuals affected with HNF1B-related conditions. For these reasons, this variant has been classified as Pathogenic.

Literature cited by the submitters: PubMed 9398836; PubMed 12148114; PubMed 15068978; PubMed 20378641.

NM_000458.4(HNF1B):c.142_143del (p.Leu48fs)

Gene: HNF1B (HNF1 homeobox B; minus strand). Cytogenetic location: 17q12.
Variant type: Deletion.
Coding change: c.142_143del on transcript NM_000458.4 (MANE Select); coding-DNA positions 142 to 143, 2 bases deleted (CT; older notation c.142_143delCT).
Protein change: p.Leu48fs; shifts the reading frame from leucine 48.
Molecular consequence: frameshift variant.
Genome position (GRCh38, 1-based): chr17:37,744,742-37,744,743, AG deleted on the plus strand (CT on the coding strand, the reverse complement: HNF1B is on the minus strand). VCF-style (leftmost placement, unchanged base first): chr17-37744741-CAG-C. GRCh37 (hg19) VCF-style: chr17-36104732-CAG-C.
Other names: c.142_143del, p.Leu48fs (NM_001165923.4, NM_001304286.2, NM_001411100.1); short protein forms L48fs.
Identifiers: ClinVar variation 4714525 (VCV004714525.1).
Genomic context (GRCh38, chr17:37,744,741, plus strand): 5'-GCCGTTGGTGAGAGTATGGAAGACCGGCTTGGTGTCGGGCTCGGCCCCGCTGCCAGGGGA[CAG>C]GGGCAGCGTCTCCAGCTTCACCCCGAAGTTCGGGGATGGCAGCAACTCCTCCAAGGCCTG-3'